The following is an entry in ClinVar:

ClinVar aggregate classification (germline): Likely pathogenic. Review status: criteria provided, multiple submitters, no conflicts (2 of 4 stars). 4 submissions from 4 submitters: Likely pathogenic (3). 1 of the submissions does not count toward it. Last evaluated 2024-03-19.

Conditions:
Fanconi anemia (FA). Also called: Fanconi's anemia. Identifiers: Orphanet 84, MedGen C0015625, MeSH D005199, MONDO:0019391.
Fanconi anemia complementation group F. Also called: FANCF-Related Fanconi Anemia. Identifiers: Orphanet 84, MedGen C3469526, MONDO:0011325, OMIM 603467.

Allele frequency attached by ClinVar (database versions not stated): gnomAD exomes below 0.00001 and 0.00001; ExAC 0.00001.

Submissions (4):

Baylor Genetics
Classification: Likely pathogenic for Fanconi anemia complementation group F. Last evaluated: 2024-03-19. Review status: criteria provided, single submitter. Criteria: ACMG Guidelines, 2015. Collection method: clinical testing. Allele origin: unknown.

Women's Health and Genetics/Laboratory Corporation of America, LabCorp
Classification: Likely pathogenic for Fanconi anemia. Last evaluated: 2022-06-02. Review status: criteria provided, single submitter. Criteria: LabCorp Variant Classification Summary - May 2015. Collection method: clinical testing. Allele origin: germline.
Comment: Variant summary: FANCF c.193C>T (p.Gln65X) results in a premature termination codon, predicted to cause a truncation of the encoded protein or absence of the protein due to nonsense mediated decay, which are commonly known mechanisms for disease. Truncations downstream of this position have been associated with Fanconi Anemia in HGMD. The variant allele was found at a frequency of 4e-06 in 247028 control chromosomes (gnomAD). c.193C>T has been reported in the literature in a case with Skin cutaneous melanoma (Huang_2018). This report does not provide unequivocal conclusions about association of the variant with Fanconi Anemia. To our knowledge, no experimental evidence demonstrating an impact on protein function has been reported. One submitter provided clinical-significance assessments for this variant to ClinVar after 2014 and classified the variant as likely pathogenic. Based on the evidence outlined above, the variant was classified as likely pathogenic.

CeGaT Center for Human Genetics Tuebingen
Classification: Likely pathogenic. Last evaluated: 2018-11-01. Review status: criteria provided, single submitter. Criteria: CeGaT Center For Human Genetics Tuebingen Variant Classification Criteria Version 2. Collection method: clinical testing. Allele origin: germline. Affected: yes. Observed: 1 variant allele.

Leiden Open Variation Database
Classification: Pathogenic for Fanconi anemia complementation group F. Last evaluated: 2011-02-07. Review status: no assertion criteria provided. Collection method: curation. Allele origin: germline. Affected: yes. Not counted in ClinVar's aggregate classification.
Comment: Curator: Arleen D. Auerbach. Submitter to LOVD: Arleen D. Auerbach.

Literature cited by the submitters: PubMed 29625052 (cited by Women's Health and Genetics/Laboratory Corporation of America, LabCorp).

NM_022725.4(FANCF):c.193C>T (p.Gln65Ter)

Gene: FANCF (FA complementation group F; minus strand). Cytogenetic location: 11p14.3.
Variant type: single nucleotide variant.
Coding change: c.193C>T on transcript NM_022725.4 (MANE Select); coding-DNA position 193, C replaced by T.
Protein change: p.Gln65Ter; replaces glutamine 65 with a stop codon.
Molecular consequence: nonsense.
Genome position (GRCh38, 1-based): chr11:22,625,618, G>A on the plus strand (C>T on the coding strand, the complement: FANCF is on the minus strand). VCF-style: chr11-22625618-G-A. GRCh37 (hg19) VCF-style: chr11-22647164-G-A.
Other names: short protein forms Q65*.
Identifiers: ClinVar variation 806635 (VCV000806635.44), dbSNP rs753272712, ClinGen allele CA5924406.